The following is an entry in ClinVar:

ClinVar aggregate classification (germline): Uncertain significance (1 of 4 stars; one submission).

Conditions:
Ehlers-Danlos syndrome, type 4 (EDSVASC). Also called: Ehlers-Danlos Syndrome Type IV; Ehlers-Danlos syndrome vascular type; Ehlers Danlos syndrome, ecchymotic type; Ehlers Danlos syndrome, arterial type; Ehlers Danlos syndrome, Sack-Barabas type. Identifiers: Orphanet 286, MedGen C0268338, MONDO:0017314, OMIM 130050.

Allele frequency attached by ClinVar (database versions not stated): gnomAD exomes below 0.00001; gnomAD 0.00001; TOPMed 0.00002.
gnomAD v4.1: 5 of 1,613,322 alleles (0.00031%); highest among the groups gnomAD compares: African/African-American, 0.0053%; no homozygotes.

Submission:

All of Us Research Program, National Institutes of Health
Classification: Uncertain significance for Ehlers-Danlos syndrome, type 4. Last evaluated: 2023-08-15. Review status: criteria provided, single submitter. Criteria: ACMG Guidelines, 2015. Collection method: clinical testing. Allele origin: germline. Inheritance: Autosomal dominant inheritance. Observed: 2 variant alleles, 2 heterozygotes.
Comment: This variant causes an A to G nucleotide substitution at the +4 position of intron 26 of the COL3A1 gene. To our knowledge, functional studies have not been reported for this variant. This variant has not been reported in individuals affected with COL3A1-related disorders in the literature. This variant has been identified in 1/251002 chromosomes in the general population by the Genome Aggregation Database (gnomAD). The available evidence is insufficient to determine the role of this variant in disease conclusively. Therefore, this variant is classified as a Variant of Uncertain Significance.

This study involves interpretation of variants in research participants for the purpose of population health screening. Participant phenotype was not available at the time of variant classification. Additional details can be found in publication PMID: 35346344, PMCID: PMC8962531

NM_000090.4(COL3A1):c.1869+4A>G

Gene: COL3A1 (collagen type III alpha 1 chain; plus strand). Cytogenetic location: 2q32.2.
Variant type: single nucleotide variant.
Coding change: c.1869+4A>G on transcript NM_000090.4 (MANE Select); 4 bases into the intron after coding-DNA position 1869, A replaced by G.
Molecular consequence: intron variant.
Genome position (GRCh38, 1-based): chr2:188,997,393, A>G. VCF-style: chr2-188997393-A-G. GRCh37 (hg19) VCF-style: chr2-189862119-A-G.
Identifiers: ClinVar variation 3072488 (VCV003072488.1), dbSNP rs1484323273, ClinGen allele CA762198527.